The following is an entry in ClinVar:

ClinVar aggregate classification (germline): Uncertain significance (1 of 4 stars; one submission).

gnomAD v4.1: 1 of 1,549,360 alleles (0.000065%); highest among the groups gnomAD compares: Non-Finnish European, 0.000087%; no homozygotes.

Submission:

Labcorp Genetics (formerly Invitae), Labcorp
Classification: Uncertain significance. Last evaluated: 2024-05-27. Review status: criteria provided, single submitter. Criteria: Invitae Variant Classification Sherloc (09022015). Collection method: clinical testing. Allele origin: germline.
Comment: This sequence change replaces aspartic acid, which is acidic and polar, with glutamic acid, which is acidic and polar, at codon 115 of the TOP2B protein (p.Asp115Glu). This variant is present in population databases (no rsID available, gnomAD 0.002%). This variant has not been reported in the literature in individuals affected with TOP2B-related conditions. An algorithm developed to predict the effect of missense changes on protein structure and function (PolyPhen-2) suggests that this variant is likely to be disruptive. In summary, the available evidence is currently insufficient to determine the role of this variant in disease. Therefore, it has been classified as a Variant of Uncertain Significance.

NM_001330700.2(TOP2B):c.360T>G (p.Asp120Glu)

Gene: TOP2B (DNA topoisomerase II beta; minus strand). Cytogenetic location: 3p24.2.
Variant type: single nucleotide variant.
Coding change: c.360T>G on transcript NM_001330700.2 (MANE Select); coding-DNA position 360, T replaced by G.
Protein change: p.Asp120Glu; replaces aspartic acid 120 with glutamic acid.
Molecular consequence: missense variant.
Genome position (GRCh38, 1-based): chr3:25,642,357, A>C on the plus strand (T>G on the coding strand, the complement: TOP2B is on the minus strand). VCF-style: chr3-25642357-A-C. GRCh37 (hg19) VCF-style: chr3-25683848-A-C.
Other names: c.345T>G, p.Asp115Glu (NM_001068.3); short protein forms D120E, D115E.
Identifiers: ClinVar variation 3680217 (VCV003680217.2).